The following is an entry in ClinVar:

ClinVar aggregate classification (germline): Pathogenic (1 of 4 stars; one submission).

Conditions:
Glycogen storage disease type III (GSD3). Also called: FORBES DISEASE; Cori disease. Identifiers: Orphanet 366, MedGen C0017922, MONDO:0009291, OMIM 232400.

Submission:

Labcorp Genetics (formerly Invitae), Labcorp
Classification: Pathogenic for Glycogen storage disease type III. Last evaluated: 2022-03-23. Review status: criteria provided, single submitter. Criteria: Invitae Variant Classification Sherloc (09022015). Collection method: clinical testing. Allele origin: germline.
Comment: This sequence change creates a premature translational stop signal (p.Ile832Asnfs*7) in the AGL gene. It is expected to result in an absent or disrupted protein product. Loss-of-function variants in AGL are known to be pathogenic (PMID: 19299494). This variant is not present in population databases (gnomAD no frequency). This variant has not been reported in the literature in individuals affected with AGL-related conditions. For these reasons, this variant has been classified as Pathogenic.

Literature cited by the submitters: PubMed 19299494.

NM_000642.3(AGL):c.2494dup (p.Ile832fs)

Gene: AGL (amylo-alpha-1,6-glucosidase and 4-alpha-glucanotransferase; plus strand). Cytogenetic location: 1p21.2.
Variant type: Duplication.
Coding change: c.2494dup on transcript NM_000642.3 (MANE Select); coding-DNA position 2494, one base duplicated (A; older notation c.2494dupA).
Protein change: p.Ile832fs; shifts the reading frame from isoleucine 832.
Molecular consequence: frameshift variant.
Genome position (GRCh38, 1-based): chr1:99,884,399, A duplicated. VCF-style (leftmost placement, unchanged base first): chr1-99884398-T-TA. GRCh37 (hg19) VCF-style: chr1-100349954-T-TA.
Other names: c.2494dup, p.Ile832Asnfs (NM_000028.3, NM_000643.3, NM_000644.3 and 2 more transcripts); c.2446dup, p.Ile816Asnfs (NM_000646.3); c.2293dup, p.Ile765Asnfs (NM_001425327.1); c.2290dup, p.Ile764Asnfs (NM_001425328.1, NM_001425329.1); c.2116dup, p.Ile706Asnfs (NM_001425332.1); short protein forms I816fs, I832fs.
Identifiers: ClinVar variation 1429978 (VCV001429978.6), dbSNP rs2100768945, ClinGen allele CA2573132018.
Genomic context (GRCh38, chr1:99,884,398, plus strand): 5'-GCTTAATGAAAGTAAAATTGTTAAACAAGCTGGAGTTGCCACAAAAGGGCCCAATGAATA[T>TA]ATTCAAGAAATAGAATTTGAAAACTTGTCTCCAGGAAGTGTTATTATATTCAGGTATGTT-3'